The following is an entry in ClinVar:

NM_001042492.3(NF1):c.524A>G (p.His175Arg)

Gene: NF1 (neurofibromin 1; plus strand). Cytogenetic location: 17q11.2.
Variant type: single nucleotide variant.
Coding change: c.524A>G on transcript NM_001042492.3 (MANE Select); coding-DNA position 524, A replaced by G.
Protein change: p.His175Arg; replaces histidine 175 with arginine.
Molecular consequence: missense variant.
Genome position (GRCh38, 1-based): chr17:31,169,935, A>G. VCF-style: chr17-31169935-A-G. GRCh37 (hg19) VCF-style: chr17-29496953-A-G.
Other names: c.524A>G, p.His175Arg (NM_000267.4, NM_001128147.3); short protein forms H175R.
Identifiers: ClinVar variation 1995009 (VCV001995009.4), dbSNP rs2143707375, ClinGen allele CA398985053.

ClinVar aggregate classification (germline): Uncertain significance (1 of 4 stars; one submission).

Conditions:
Neurofibromatosis, type 1 (NF1). Also called: Neurofibromatosis, type I; Peripheral type neurofibromatosis; NEUROFIBROMATOSIS, TYPE I, SOMATIC; VON RECKLINGHAUSEN DISEASE. Identifiers: Orphanet 636, MedGen C0027831, MONDO:0018975, OMIM 162200. Disease mechanism: loss of function.

Allele frequency attached by ClinVar (database versions not stated): gnomAD exomes below 0.00001.
gnomAD v4.1: 2 of 1,591,476 alleles (0.00013%); highest among the groups gnomAD compares: Non-Finnish European, 0.00017%; no homozygotes.

Submission:

Labcorp Genetics (formerly Invitae), Labcorp
Classification: Uncertain significance for Neurofibromatosis, type 1. Last evaluated: 2022-05-16. Review status: criteria provided, single submitter. Criteria: Invitae Variant Classification Sherloc (09022015). Collection method: clinical testing. Allele origin: germline.
Comment: This variant is not present in population databases (gnomAD no frequency). In summary, the available evidence is currently insufficient to determine the role of this variant in disease. Therefore, it has been classified as a Variant of Uncertain Significance. Algorithms developed to predict the effect of missense changes on protein structure and function (SIFT, PolyPhen-2, Align-GVGD) all suggest that this variant is likely to be tolerated. This variant has not been reported in the literature in individuals affected with NF1-related conditions. This sequence change replaces histidine, which is basic and polar, with arginine, which is basic and polar, at codon 175 of the NF1 protein (p.His175Arg).